The following is an entry in ClinVar:

ClinVar aggregate classification (germline): Pathogenic (1 of 4 stars; one submission).

Submission:

Labcorp Genetics (formerly Invitae), Labcorp
Classification: Pathogenic. Last evaluated: 2023-08-04. Review status: criteria provided, single submitter. Criteria: Invitae Variant Classification Sherloc (09022015). Collection method: clinical testing. Allele origin: germline.
Comment: This sequence change creates a premature translational stop signal (p.Trp186*) in the WDR62 gene. It is expected to result in an absent or disrupted protein product. Loss-of-function variants in WDR62 are known to be pathogenic (PMID: 20729831). This variant is not present in population databases (gnomAD no frequency). This variant has not been reported in the literature in individuals affected with WDR62-related conditions. ClinVar contains an entry for this variant (Variation ID: 2053008). For these reasons, this variant has been classified as Pathogenic.

Literature cited by the submitters: PubMed 20729831.

NM_001083961.2(WDR62):c.557G>A (p.Trp186Ter)

Gene: WDR62 (WD repeat domain 62; plus strand). Cytogenetic location: 19q13.12.
Variant type: single nucleotide variant.
Coding change: c.557G>A on transcript NM_001083961.2 (MANE Select); coding-DNA position 557, G replaced by A.
Protein change: p.Trp186Ter; replaces tryptophan 186 with a stop codon.
Molecular consequence: nonsense.
Genome position (GRCh38, 1-based): chr19:36,066,423, G>A. VCF-style: chr19-36066423-G-A. GRCh37 (hg19) VCF-style: chr19-36557325-G-A.
Other names: c.557G>A, p.Trp186Ter (NM_001411145.1, NM_001411146.1, NM_001411147.1 and 1 more transcripts); short protein forms W186*.
Identifiers: ClinVar variation 2053008 (VCV002053008.4), dbSNP rs2513442799, ClinGen allele CA405427353.